The following is an entry in ClinVar:

NM_001048174.2(MUTYH):c.390A>T (p.Thr130=)

Gene: MUTYH (mutY DNA glycosylase; minus strand). Cytogenetic location: 1p34.1.
Variant type: single nucleotide variant.
Coding change: c.390A>T on transcript NM_001048174.2 (MANE Select); coding-DNA position 390, A replaced by T.
Protein change: p.Thr130=; no amino-acid change (threonine 130 retained).
Molecular consequence: synonymous variant. On other transcripts: non-coding transcript variant (2).
Genome position (GRCh38, 1-based): chr1:45,332,948, T>A on the plus strand (A>T on the coding strand, the complement: MUTYH is on the minus strand). VCF-style: chr1-45332948-T-A. GRCh37 (hg19) VCF-style: chr1-45798620-T-A.
Other names: c.390A>T, p.Thr130= (NM_001048171.2, NM_001048173.2, NM_001293195.2); c.393A>T, p.Thr131= (NM_001048172.2); c.474A>T, p.Thr158= (NM_001128425.2); c.435A>T, p.Thr145= (NM_001293190.2); c.423A>T, p.Thr141= (NM_001293191.2); c.114A>T, p.Thr38= (NM_001293192.2, NM_001293196.2); c.45A>T, p.Thr15= (NM_001350650.2, NM_001350651.2); c.465A>T, p.Thr155= (NM_012222.3).
Identifiers: ClinVar variation 184965 (VCV000184965.26), dbSNP rs780182847, ClinGen allele CA013634.

ClinVar aggregate classification (germline): Likely benign. Review status: criteria provided, multiple submitters, no conflicts (2 of 4 stars). 8 submissions from 8 submitters: Likely benign (7). 1 of the submissions does not count toward it. Last evaluated 2026-01-27.

Conditions:
MUTYH-related disorder. Also called: MUTYH-related condition; MUTYH-related disorders.
Hereditary cancer-predisposing syndrome. Also called: Tumor predisposition; Neoplastic Syndromes, Hereditary; Hereditary neoplastic syndrome; Hereditary Cancer Syndrome. Identifiers: Orphanet 140162, MedGen C0027672, MeSH D009386, MONDO:0015356.
Familial adenomatous polyposis 2. Also called: MUTYH-related attenuated familial adenomatous polyposis; MUTYH-associated polyposis; MUTYH Polyposis; COLORECTAL ADENOMATOUS POLYPOSIS, AUTOSOMAL RECESSIVE; ADENOMAS, MULTIPLE COLORECTAL, AUTOSOMAL RECESSIVE; MYH-associated polyposis. Identifiers: Orphanet 220460, Orphanet 247798, MedGen C3272841, MONDO:0012041, OMIM 608456.

Allele frequency attached by ClinVar (database versions not stated): gnomAD exomes below 0.00001 and 0.00003; TOPMed below 0.00001; ExAC 0.00001.
gnomAD v4.1: 43 of 1,614,080 alleles (0.0027%); highest among the groups gnomAD compares: Non-Finnish European, 0.0036%; no homozygotes.

Submissions (8):

Labcorp Genetics (formerly Invitae), Labcorp
Classification: Likely benign for Familial adenomatous polyposis 2. Last evaluated: 2026-01-27. Review status: criteria provided, single submitter. Criteria: Invitae Variant Classification Sherloc (09022015). Collection method: clinical testing. Allele origin: germline.

Quest Diagnostics Nichols Institute San Juan Capistrano
Classification: Likely benign. Last evaluated: 2025-05-02. Review status: criteria provided, single submitter. Criteria: Quest Diagnostics criteria. Collection method: clinical testing. Allele origin: unknown.

All of Us Research Program, National Institutes of Health
Classification: Likely benign for Familial adenomatous polyposis 2. Last evaluated: 2024-08-06. Review status: criteria provided, single submitter. Criteria: ACMG Guidelines, 2015. Collection method: clinical testing. Allele origin: germline. Inheritance: Autosomal recessive inheritance. Observed: 5 variant alleles, 5 heterozygotes.
Comment: This study involves interpretation of variants in research participants for the purpose of population health screening. Participant phenotype was not available at the time of variant classification. Additional details can be found in publication PMID: 35346344, PMCID: PMC8962531

Women's Health and Genetics/Laboratory Corporation of America, LabCorp
Classification: Likely benign. Last evaluated: 2021-09-20. Review status: criteria provided, single submitter. Criteria: LabCorp Variant Classification Summary - May 2015. Collection method: clinical testing. Allele origin: germline.

GeneDx
Classification: Likely benign. Last evaluated: 2021-01-18. Review status: criteria provided, single submitter. Criteria: GeneDx Variant Classification Process June 2021. Collection method: clinical testing. Allele origin: germline. Affected: yes.

Color Diagnostics, LLC DBA Color Health
Classification: Likely benign for Hereditary cancer-predisposing syndrome. Last evaluated: 2017-08-23. Review status: criteria provided, single submitter. Criteria: ACMG Guidelines, 2015. Collection method: clinical testing. Allele origin: germline.

Ambry Genetics
Classification: Likely benign for Hereditary cancer-predisposing syndrome. Last evaluated: 2015-09-08. Review status: criteria provided, single submitter. Criteria: Ambry Variant Classification Scheme 2023. Collection method: clinical testing. Allele origin: germline.

PreventionGenetics, part of Exact Sciences
Classification: Likely benign for MUTYH-related condition. Last evaluated: 2024-03-08. Review status: no assertion criteria provided. Collection method: clinical testing. Allele origin: germline. Not counted in ClinVar's aggregate classification.
Comment: This variant is classified as likely benign based on ACMG/AMP sequence variant interpretation guidelines (Richards et al. 2015 PMID: 25741868, with internal and published modifications).